The following is an entry in ClinVar:

NM_198578.4(LRRK2):c.2332A>T (p.Ser778Cys)

Gene: LRRK2 (leucine rich repeat kinase 2; plus strand). Cytogenetic location: 12q12.
Variant type: single nucleotide variant.
Coding change: c.2332A>T on transcript NM_198578.4 (MANE Select); coding-DNA position 2332, A replaced by T.
Protein change: p.Ser778Cys; replaces serine 778 with cysteine.
Molecular consequence: missense variant.
Genome position (GRCh38, 1-based): chr12:40,283,965, A>T. VCF-style: chr12-40283965-A-T. GRCh37 (hg19) VCF-style: chr12-40677767-A-T.
Other names: short protein forms S778C.
Identifiers: ClinVar variation 2587243 (VCV002587243.2), dbSNP rs2499664343, ClinGen allele CA384406571.

ClinVar aggregate classification (germline): Uncertain significance (1 of 4 stars; one submission).

Conditions:
Inborn genetic diseases. Identifiers: MedGen C0950123, MeSH D030342.

Submission:

Ambry Genetics
Classification: Uncertain significance for Inborn genetic diseases. Last evaluated: 2023-06-27. Review status: criteria provided, single submitter. Criteria: Ambry Variant Classification Scheme 2023. Collection method: clinical testing. Allele origin: germline.
Comment: The p.S778C variant (also known as c.2332A>T), located in coding exon 19 of the LRRK2 gene, results from an A to T substitution at nucleotide position 2332. The serine at codon 778 is replaced by cysteine, an amino acid with dissimilar properties. This amino acid position is conserved. In addition, the in silico prediction for this alteration is inconclusive. Since supporting evidence is limited at this time, the clinical significance of this alteration remains unclear.